The following is an entry in ClinVar:

ClinVar aggregate classification (germline): Conflicting classifications of pathogenicity. Review status: criteria provided, conflicting classifications (1 of 4 stars). 2 submissions from 2 submitters: Uncertain significance (1); Likely benign (1). Last evaluated 2022-11-01.

Conditions:
Generalized juvenile polyposis/juvenile polyposis coli. Also called: Juvenile polyposis coli. Identifiers: Orphanet 329971, MedGen C1868081, MONDO:0008276.

Allele frequency attached by ClinVar (database versions not stated): 1000 Genomes Project 30x 0.00016; 1000 Genomes Project 0.00020; gnomAD exomes 0.00036; TOPMed 0.00044; gnomAD 0.00058 and 0.00065.
gnomAD v4.1: 113 of 232,202 alleles (0.049%); highest among the groups gnomAD compares: Admixed American, 0.15%; no homozygotes.

Submissions (2):

CeGaT Center for Human Genetics Tuebingen
Classification: Likely benign. Last evaluated: 2022-11-01. Review status: criteria provided, single submitter. Criteria: CeGaT Center For Human Genetics Tuebingen Variant Classification Criteria Version 2. Collection method: clinical testing. Allele origin: germline. Affected: yes. Observed: 1 variant allele.
Comment: BMPR1A: BS1

Illumina Laboratory Services, Illumina
Classification: Uncertain significance for Juvenile polyposis syndrome. Last evaluated: 2018-01-13. Review status: criteria provided, single submitter. Criteria: ICSL Variant Classification Criteria 13 December 2019. Collection method: clinical testing. Allele origin: germline.

NM_004329.3(BMPR1A):c.*1194A>G

Gene: BMPR1A (bone morphogenetic protein receptor type 1A; plus strand). Cytogenetic location: 10q23.2.
Variant type: single nucleotide variant.
Coding change: c.*1194A>G on transcript NM_004329.3 (MANE Select); 1194 bases downstream of the stop codon, A replaced by G.
Molecular consequence: 3 prime UTR variant.
Genome position (GRCh38, 1-based): chr10:86,924,913, A>G. VCF-style: chr10-86924913-A-G. GRCh37 (hg19) VCF-style: chr10-88684670-A-G.
Identifiers: ClinVar variation 880368 (VCV000880368.28), dbSNP rs546825674, ClinGen allele CA211212204.
Genomic context (GRCh38, chr10:86,924,913, plus strand): 5'-TAAATATAAATTTTCAGAATTAATGCATTCAAAGTAATATATCAAATCCAGGACTTTGTT[A>G]ACTTCAGGTAAAAACTTCATTAGGGTAATATCATCTCAATTTTTTCAAATGAAAGGATTC-3'